The following is an entry in ClinVar:

ClinVar aggregate classification (germline): Uncertain significance. Review status: criteria provided, multiple submitters, no conflicts (2 of 4 stars). 4 submissions from 4 submitters: Uncertain significance (4). Last evaluated 2024-08-05.

Conditions:
Inborn genetic diseases. Identifiers: MedGen C0950123, MeSH D030342.
Autosomal recessive nonsyndromic hearing loss 31. Also called: WHIRLER, MOUSE, HOMOLOG OF. Identifiers: Orphanet 90636, MedGen C1846839, MONDO:0011767, OMIM 607084.
Usher syndrome type 2D. Also called: USHER SYNDROME, TYPE IID. Identifiers: Orphanet 231178, Orphanet 886, MedGen C1568249, MONDO:0012662, OMIM 611383.

Allele frequency attached by ClinVar (database versions not stated): gnomAD exomes 0.00002; TOPMed 0.00004; ExAC 0.00007; gnomAD 0.00009 and 0.00010.
gnomAD v4.1: 84 of 1,613,194 alleles (0.0052%); highest among the groups gnomAD compares: Non-Finnish European, 0.0068%; 1 homozygote.

Submissions (4):

Labcorp Genetics (formerly Invitae), Labcorp
Classification: Uncertain significance. Last evaluated: 2024-08-05. Review status: criteria provided, single submitter. Criteria: Invitae Variant Classification Sherloc (09022015). Collection method: clinical testing. Allele origin: germline.
Comment: This sequence change replaces glutamine, which is neutral and polar, with histidine, which is basic and polar, at codon 857 of the WHRN protein (p.Gln857His). This variant is present in population databases (rs776712642, gnomAD 0.01%), including at least one homozygous and/or hemizygous individual. This variant has not been reported in the literature in individuals affected with WHRN-related conditions. ClinVar contains an entry for this variant (Variation ID: 964065). An algorithm developed to predict the effect of missense changes on protein structure and function (PolyPhen-2) suggests that this variant is likely to be disruptive. In summary, the available evidence is currently insufficient to determine the role of this variant in disease. Therefore, it has been classified as a Variant of Uncertain Significance.

Blueprint Genetics
Classification: Uncertain significance. Last evaluated: 2022-10-04. Review status: criteria provided, single submitter. Criteria: ACMG Guidelines, 2015. Collection method: clinical testing. Allele origin: germline.

Ambry Genetics
Classification: Uncertain significance for Inborn genetic diseases. Last evaluated: 2021-11-09. Review status: criteria provided, single submitter. Criteria: Ambry Variant Classification Scheme 2023. Collection method: clinical testing. Allele origin: germline.

Fulgent Genetics
Classification: Uncertain significance for Autosomal recessive nonsyndromic hearing loss 31; Usher syndrome type 2D. Last evaluated: 2021-09-24. Review status: criteria provided, single submitter. Criteria: ACMG Guidelines, 2015. Collection method: clinical testing. Allele origin: unknown.

NM_015404.4(WHRN):c.2571G>T (p.Gln857His)

Gene: WHRN (whirlin; minus strand). Cytogenetic location: 9q32.
Variant type: single nucleotide variant.
Coding change: c.2571G>T on transcript NM_015404.4 (MANE Select); coding-DNA position 2571, G replaced by T.
Protein change: p.Gln857His; replaces glutamine 857 with histidine.
Molecular consequence: missense variant.
Genome position (GRCh38, 1-based): chr9:114,402,907, C>A on the plus strand (G>T on the coding strand, the complement: WHRN is on the minus strand). VCF-style: chr9-114402907-C-A. GRCh37 (hg19) VCF-style: chr9-117165187-C-A.
Other names: c.1422G>T, p.Gln474His (NM_001083885.3); c.2568G>T, p.Gln856His (NM_001173425.2); c.1518G>T, p.Gln506His (NM_001346890.1); short protein forms Q856H, Q506H, Q474H, Q857H.
Identifiers: ClinVar variation 964065 (VCV000964065.12), dbSNP rs776712642, ClinGen allele CA5205577.
Genomic context (GRCh38, chr9:114,402,907, plus strand): 5'-GTGCTCCTTGCCCCGAAGCGTCAGCCCATTCACTTCCAGAATCACGTGGCCCACCTTGAG[C>A]TGCCCACAGTTGTGAGCTGAGCCGCCTCTCTGCAGGGAGGAGACACAGGGCATGGGGTGC-3'
Protein context (NP_056219.3, residues 847-867): QRGGSAHNCG[Gln857His]LKVGHVILEV